The following is an entry in ClinVar:

NM_000807.4(GABRA2):c.839C>T (p.Pro280Leu)

Gene: GABRA2 (gamma-aminobutyric acid type A receptor subunit alpha2; minus strand). Cytogenetic location: 4p12.
Variant type: single nucleotide variant.
Coding change: c.839C>T on transcript NM_000807.4 (MANE Select); coding-DNA position 839, C replaced by T.
Protein change: p.Pro280Leu; replaces proline 280 with leucine.
Molecular consequence: missense variant.
Genome position (GRCh38, 1-based): chr4:46,303,477, G>A on the plus strand (C>T on the coding strand, the complement: GABRA2 is on the minus strand). VCF-style: chr4-46303477-G-A. GRCh37 (hg19) VCF-style: chr4-46305494-G-A.
Other names: c.839C>T, p.Pro280Leu (NM_001114175.3, NM_001330690.2, NM_001377144.1 and 8 more transcripts); c.674C>T, p.Pro225Leu (NM_001286827.3, NM_001377152.1, NM_001377153.1 and 1 more transcripts); c.839C>T (NM_001114175.1); short protein forms P280L, P225L.
Identifiers: ClinVar variation 1929359 (VCV001929359.6), dbSNP rs2475626724, ClinGen allele CA356798216.

ClinVar aggregate classification (germline): Pathogenic/Likely pathogenic. Review status: criteria provided, multiple submitters, no conflicts (2 of 4 stars). 2 submissions from 2 submitters: Pathogenic (1); Likely pathogenic (1). Last evaluated 2025-07-09.

Conditions:
Inborn genetic diseases. Identifiers: MedGen C0950123, MeSH D030342.

Submissions (2):

Ambry Genetics
Classification: Pathogenic for Inborn genetic diseases. Last evaluated: 2025-07-09. Review status: criteria provided, single submitter. Criteria: Ambry Variant Classification Scheme 2023. Collection method: clinical testing. Allele origin: germline.
Comment: The c.839C>T (p.P280L) alteration is located in exon 7 (coding exon 7) of the GABRA2 gene. This alteration results from a C to T substitution at nucleotide position 839, causing the proline (P) at amino acid position 280 to be replaced by a leucine (L). This variant was not reported in population-based cohorts in the Genome Aggregation Database (gnomAD). This variant was determined to be de novo in at least one individual with features consistent with GABRA2-related developmental and epileptic encephalopathy (Sanchis-Juan, 2020). This amino acid position is highly conserved in available vertebrate species. This missense alteration is located in a region that has a low rate of benign missense variation (Lek, 2016; Firth, 2009). The p.P280L amino acid is located in M2, the second helix in the transmembrane domain (Sanchis-Juan, 2020). This alteration is predicted to be deleterious by in silico analysis. Based on the available evidence, this alteration is classified as pathogenic.

Labcorp Genetics (formerly Invitae), Labcorp
Classification: Likely pathogenic. Last evaluated: 2022-02-05. Review status: criteria provided, single submitter. Criteria: Invitae Variant Classification Sherloc (09022015). Collection method: clinical testing. Allele origin: germline.
Comment: In summary, the currently available evidence indicates that the variant is pathogenic, but additional data are needed to prove that conclusively. Therefore, this variant has been classified as Likely Pathogenic. Algorithms developed to predict the effect of missense changes on protein structure and function are either unavailable or do not agree on the potential impact of this missense change (SIFT: "Not Available"; PolyPhen-2: "Possibly Damaging"; Align-GVGD: "Not Available"). This missense change has been observed in individual(s) with GABRA2-related conditions (PMID: 32347641). In at least one individual the variant was observed to be de novo. This variant is not present in population databases (gnomAD no frequency). This sequence change replaces proline, which is neutral and non-polar, with leucine, which is neutral and non-polar, at codon 280 of the GABRA2 protein (p.Pro280Leu).

Literature cited by the submitters: PubMed 32347641 (cited by Ambry Genetics and Labcorp Genetics (formerly Invitae), Labcorp).